The following is an entry in ClinVar:

NM_022835.3(PLEKHG2):c.1358C>T (p.Pro453Leu)

Gene: PLEKHG2 (pleckstrin homology and RhoGEF domain containing G2; plus strand). Cytogenetic location: 19q13.2.
Variant type: single nucleotide variant.
Coding change: c.1358C>T on transcript NM_022835.3 (MANE Select); coding-DNA position 1358, C replaced by T.
Protein change: p.Pro453Leu; replaces proline 453 with leucine.
Molecular consequence: missense variant.
Genome position (GRCh38, 1-based): chr19:39,420,811, C>T. VCF-style: chr19-39420811-C-T. GRCh37 (hg19) VCF-style: chr19-39911451-C-T.
Other names: c.1181C>T, p.Pro394Leu (NM_001351693.2); c.1358C>T, p.Pro453Leu (NM_001351694.2); short protein forms P394L, P453L.
Identifiers: ClinVar variation 1034016 (VCV001034016.1), dbSNP rs34975345, ClinGen allele CA9429466.

ClinVar aggregate classification (germline): Uncertain significance (1 of 4 stars; one submission).

Conditions:
Leukodystrophy and acquired microcephaly with or without dystonia;. Also called: Leukodystrophy and acquired microcephaly with or without dystonia. Identifiers: MedGen C4225213, MONDO:0014766, OMIM 616763.

Allele frequency attached by ClinVar (database versions not stated): TOPMed 0.00002.
gnomAD v4.1: 20 of 1,614,052 alleles (0.0012%); highest among the groups gnomAD compares: Non-Finnish European, 0.0016%; no homozygotes.

Submission:

Baylor Genetics
Classification: Uncertain significance for Leukodystrophy and acquired microcephaly with or without dystonia;. Last evaluated: 2018-02-06. Review status: criteria provided, single submitter. Criteria: ACMG Guidelines, 2015. Collection method: clinical testing. Allele origin: paternal. Affected: yes.
Comment: This variant was determined to be of uncertain significance according to ACMG Guidelines, 2015 [PMID:25741868].